The following is an entry in ClinVar:

NM_007186.6(CEP250):c.520C>A (p.His174Asn)

Gene: CEP250 (centrosomal protein 250; plus strand). Cytogenetic location: 20q11.22.
Variant type: single nucleotide variant.
Coding change: c.520C>A on transcript NM_007186.6 (MANE Select); coding-DNA position 520, C replaced by A.
Protein change: p.His174Asn; replaces histidine 174 with asparagine.
Molecular consequence: missense variant. On other transcripts: 5 prime UTR variant (1).
Genome position (GRCh38, 1-based): chr20:35,466,993, C>A. VCF-style: chr20-35466993-C-A. GRCh37 (hg19) VCF-style: chr20-34054818-C-A.
Other names: c.-1380C>A (NM_001318219.1); c.520C>A (NM_007186.3); short protein forms H174N.
Identifiers: ClinVar variation 1370716 (VCV001370716.5), dbSNP rs1211197591, ClinGen allele CA408754921.

ClinVar aggregate classification (germline): Uncertain significance. Review status: criteria provided, multiple submitters, no conflicts (2 of 4 stars). 2 submissions from 2 submitters: Uncertain significance (2). Last evaluated 2025-10-07.

Allele frequency attached by ClinVar (database versions not stated): gnomAD exomes below 0.00001 and 0.00001; TOPMed below 0.00001; gnomAD 0.00001.
gnomAD v4.1: 4 of 1,613,568 alleles (0.00025%); highest among the groups gnomAD compares: Admixed American, 0.0067%; no homozygotes.

Submissions (2):

Ambry Genetics
Classification: Uncertain significance. Last evaluated: 2025-10-07. Review status: criteria provided, single submitter. Criteria: Ambry Variant Classification Scheme 2023. Collection method: clinical testing. Allele origin: germline.

Labcorp Genetics (formerly Invitae), Labcorp
Classification: Uncertain significance. Last evaluated: 2025-09-02. Review status: criteria provided, single submitter. Criteria: Invitae Variant Classification Sherloc (09022015). Collection method: clinical testing. Allele origin: germline.
Comment: This sequence change replaces histidine with asparagine at codon 174 of the CEP250 protein (p.His174Asn). The histidine residue is highly conserved and there is a small physicochemical difference between histidine and asparagine. This variant is present in population databases (no rsID available, gnomAD 0.003%). This variant has not been reported in the literature in individuals affected with CEP250-related conditions. ClinVar contains an entry for this variant (Variation ID: 1370716). An algorithm developed to predict the effect of missense changes on protein structure and function (PolyPhen-2) suggests that this variant is likely to be disruptive. In summary, the available evidence is currently insufficient to determine the role of this variant in disease. Therefore, it has been classified as a Variant of Uncertain Significance.